The following is an entry in ClinVar:

ClinVar aggregate classification (germline): Pathogenic. Review status: criteria provided, multiple submitters, no conflicts (2 of 4 stars). 15 submissions from 15 submitters: Pathogenic (10). 5 of the submissions do not count toward it. Last evaluated 2026-01-22.

Conditions:
Agenesis of the corpus callosum with peripheral neuropathy (ACCPN). Also called: CHARLEVOIX DISEASE; HMSN/ACC; POLYNEUROPATHY, SENSORIMOTOR, WITH OR WITHOUT AGENESIS OF THE CORPUS CALLOSUM; Hereditary Motor and Sensory Neuropathy with Agenesis of the Corpus Callosum. Identifiers: Orphanet 1496, MedGen C0795950, MONDO:0000902, OMIM 218000. Disease mechanism: loss of function.
Charcot-Marie-Tooth disease, axonal, IIa 2II. Also called: CHARCOT-MARIE-TOOTH NEUROPATHY, TYPE 2II; Charcot-Marie-Tooth disease, axonal, type 2II; Charcot-marie-tooth disease, axonal,IIa 2II. Identifiers: MedGen C5774227, MONDO:0031068, OMIM 620068.
SLC12A6-related disorder. Also called: SLC12A6-related condition.
Charcot-Marie-Tooth disease. Also called: Charcot-Marie-Tooth Hereditary Neuropathy; Charcot-Marie-Tooth Neuropathy. Identifiers: Orphanet 166, MedGen C0007959, MONDO:0015626.

Submissions (16):

Natera, Inc.
Classification: Pathogenic for Andermann syndrome. Last evaluated: 2026-01-22. Review status: criteria provided, single submitter. Criteria: Natera Variant Classification Schema (03/2026). Collection method: clinical testing. Allele origin: germline.
Comment: The c.2436+1delG variant in SLC12A6 is a canonical splice donor site variant predicted to affect pre-mRNA splicing, which may result in an abnormal transcript and altered protein product. This variant is expected to result in nonsense mediated decay, truncation, or a dysfunctional protein product. This variant is rare in the general population with a frequency below the threshold expected for the associated phenotype(s). This variant has been observed in one or more individuals affected with the associated recessive disease, as either homozygous or compound heterozygous with a second variant (PMID: 12368912). Given the available evidence, this variant is classified as Pathogenic.

Blueprint Genetics
Classification: Pathogenic for SLC12A6-related disorders. Last evaluated: 2024-10-15. Review status: criteria provided, single submitter. Criteria: ACMG Guidelines, 2015. Collection method: clinical testing. Allele origin: germline. Affected: yes. Observed: 5 variant alleles.

Fulgent Genetics
Classification: Pathogenic for Agenesis of the corpus callosum with peripheral neuropathy; Charcot-Marie-Tooth disease, axonal, IIa 2II. Last evaluated: 2024-06-04. Review status: criteria provided, single submitter. Criteria: ACMG Guidelines, 2015. Collection method: clinical testing. Allele origin: germline.

Baylor Genetics
Classification: Pathogenic for Agenesis of the corpus callosum with peripheral neuropathy. Last evaluated: 2024-03-25. Review status: criteria provided, single submitter. Criteria: ACMG Guidelines, 2015. Collection method: clinical testing. Allele origin: unknown.

Labcorp Genetics (formerly Invitae), Labcorp
Classification: Pathogenic. Last evaluated: 2023-12-03. Review status: criteria provided, single submitter. Criteria: Invitae Variant Classification Sherloc (09022015). Collection method: clinical testing. Allele origin: germline.
Comment: This sequence change creates a premature translational stop signal (Splice site) in the SLC12A6 gene. It is expected to result in an absent or disrupted protein product. Loss-of-function variants in SLC12A6 are known to be pathogenic (PMID: 12368912, 16606917). This variant is present in population databases (rs752155285, gnomAD 0.009%). This premature translational stop signal has been observed in individuals with agenesis of the corpus callosum with peripheral neuropathy (PMID: 12368912, 12838516, 17893295). It is commonly reported in individuals of French Canadian ancestry (PMID: 12368912). This variant is also known as c.2436+1del. ClinVar contains an entry for this variant (Variation ID: 436730). Algorithms developed to predict the effect of sequence changes on RNA splicing suggest that this variant may disrupt the consensus splice site. For these reasons, this variant has been classified as Pathogenic.

GeneDx
Classification: Pathogenic. Last evaluated: 2022-02-17. Review status: criteria provided, single submitter. Criteria: GeneDx Variant Classification Process June 2021. Collection method: clinical testing. Allele origin: germline. Affected: yes.
Comment: Published functional studies demonstrate a damaging effect resulting in nonfunctional protein (Howard et al., 2002); Canonical splice site variant predicted to result in a null allele in a gene for which loss-of-function is a known mechanism of disease; Not observed at significant frequency in large population cohorts (gnomAD); This variant is associated with the following publications: (PMID: 20301546, 12368912)

Genome-Nilou Lab
Classification: Pathogenic for Agenesis of the corpus callosum with peripheral neuropathy. Last evaluated: 2021-07-15. Review status: criteria provided, single submitter. Criteria: ACMG Guidelines, 2015. Collection method: clinical testing. Allele origin: germline. Affected: no.

Myriad Genetics, Inc.
Classification: Pathogenic for Agenesis of the corpus callosum with peripheral neuropathy. Last evaluated: 2019-12-20. Review status: criteria provided, single submitter. Criteria: Myriad Women's Health Autosomal Recessive and X-Linked Classification Criteria (2019). Collection method: clinical testing. Allele origin: unknown.
Comment: NM_133647.1(SLC12A6):c.2436+1delG(aka T813fs*813) is classified as pathogenic in the context of Andermann syndrome. Sources cited for classification include the following: PMID 12368912. Classification of NM_133647.1(SLC12A6):c.2436+1delG(aka T813fs*813) is based on the following criteria: The variant is located at a canonical splice site, is expected to disrupt gene function and is reported in individuals with the relevant phenotype. Please note: this variant was assessed in the context of healthy population screening.

Women's Health and Genetics/Laboratory Corporation of America, LabCorp
Classification: Pathogenic for Andermann syndrome. Last evaluated: 2018-06-08. Review status: criteria provided, single submitter. Criteria: LabCorp Variant Classification Summary - May 2015. Collection method: clinical testing. Allele origin: germline.
Comment: Variant summary: SLC12A6 c.2436+1delG is located in a canonical splice-site and is predicted to affect mRNA splicing resulting in a significantly altered protein due to either exon skipping, shortening, or inclusion of intronic material. Several computational tools predict a significant impact on normal splicing: Two predict the variant abolishes a 5' splicing donor site, while three predict the variant weakens a 5' donor site. These predictions are supported by a study that found a cryptic splice site is preferentially used in patient cells and the resulting protein product is reduced in size and does not function in chloride dependent uptake of 86Rb+ compared to controls, although it is properly localized and glycosylated (Howard_2002). The variant allele was found at a frequency of 5.4e-05 in 277348 control chromosomes. This frequency is not higher than expected for a pathogenic variant in SLC12A6 causing Andermann Syndrome (5.4e-05 vs 0.025), allowing no conclusion about variant significance. c.2436+1delG has been reported in the literature in numerous homozygous French Canadian individuals affected with Andermann Syndrome. These data indicate that the variant is very likely to be associated with disease. Two clinical diagnostic laboratories have submitted clinical-significance assessments for this variant to ClinVar after 2014 and both classified the variant as pathogenic. Based on the evidence outlined above, the variant was classified as pathogenic.

Genetic Services Laboratory, University of Chicago
Classification: Pathogenic for Agenesis of the corpus callosum with peripheral neuropathy. Last evaluated: 2015-09-18. Review status: criteria provided, single submitter. Criteria: ACMG Guidelines, 2015. Collection method: clinical testing. Allele origin: germline. Affected: yes.

PreventionGenetics, part of Exact Sciences
Classification: Pathogenic for SLC12A6-related condition. Last evaluated: 2024-04-10. Review status: no assertion criteria provided. Collection method: clinical testing. Allele origin: germline. Not counted in ClinVar's aggregate classification.
Comment: The SLC12A6 c.2436+1delG variant is predicted to result in a deletion affecting a canonical splice site. In the homozygous state, this variant has been documented to be causative for peripheral neuropathy associated with agenesis of the corpus callosum (ACCPN); and was determined to be a founder mutation in the French Canadian population (Howard et al. 2002. PubMed ID: 12368912, referred to as 2436delG). In vitro functional studies by the same group confirmed the deleterious effect of this variant on splicing. This variant is reported in 0.0085% of alleles in individuals of European (Non-Finnish) descent in gnomAD. This variant is interpreted as pathogenic.

OMIM
Classification: Pathogenic for AGENESIS OF THE CORPUS CALLOSUM WITH PERIPHERAL NEUROPATHY. Last evaluated: 2011-08-12. Review status: no assertion criteria provided. Collection method: literature only. Allele origin: germline. Not counted in ClinVar's aggregate classification.

Department of Pathology and Laboratory Medicine, Sinai Health System
Classification: Uncertain significance. Review status: no assertion criteria provided. Collection method: clinical testing. Allele origin: unknown. Affected: yes. Study: The Canadian Open Genetics Repository (COGR). Not counted in ClinVar's aggregate classification.

Dr. Peter K. Rogan Lab, Western University
No classification provided (evidence only). Condition: Melanoma. Review status: no classification provided. Collection method: in vitro. Allele origin: not applicable. Functional consequence: skipped exon. Not counted in ClinVar's aggregate classification.

GeneReviews
No classification provided. Condition: Agenesis of the corpus callosum with peripheral neuropathy. Review status: no classification provided. Collection method: literature only. Allele origin: germline. Affected: yes. Not counted in ClinVar's aggregate classification.

Inherited Neuropathy Consortium
Classification: Uncertain significance for Charcot-Marie-Tooth disease. Review status: no assertion criteria provided. Collection method: literature only. Allele origin: germline. Affected: yes. Not counted in ClinVar's aggregate classification.

Literature cited by the submitters: PubMed 12368912 (cited by 6 submitters); PubMed 16606917 (cited by Labcorp Genetics (formerly Invitae), Labcorp); PubMed 12838516 (cited by Labcorp Genetics (formerly Invitae), Labcorp); PubMed 17893295 (cited by Labcorp Genetics (formerly Invitae), Labcorp); PubMed 21628467 (cited by OMIM); NCBI Bookshelf NBK1372 (cited by GeneReviews).

NM_001365088.1(SLC12A6):c.2436+1del

Gene: SLC12A6 (solute carrier family 12 member 6; minus strand). Cytogenetic location: 15q14.
Variant type: Deletion.
Coding change: c.2436+1del on transcript NM_001365088.1 (MANE Select); the canonical splice donor site of the intron after coding-DNA position 2436, one base deleted (G; older notation c.2436+1delG).
Molecular consequence: splice donor variant.
Genome position (GRCh38, 1-based): chr15:34,240,660, C deleted on the plus strand (G on the coding strand, the reverse complement: SLC12A6 is on the minus strand); the first of 2 consecutive C bases (chr15:34,240,660-34,240,661); deleting either gives the same sequence. VCF-style (leftmost placement, unchanged base first): chr15-34240659-AC-A. GRCh37 (hg19) VCF-style: chr15-34532860-AC-A.
Other names: NC_000015.9:g.34532862del; c.2436delG (NM_133647.1); c.2436del (NM_001365088.1); c.2436+1delG (NM_133647.1); c.2259+1del (NM_001042495.2, NM_001042494.2); c.2409+1del (NM_001042496.2); c.2391+1del (NM_001042497.2); c.2436+1del (NM_133647.2); and 1 more.
Identifiers: ClinVar variation 436730 (VCV000436730.28), dbSNP rs515726215, ClinGen allele CA340395.